The following is an entry in ClinVar:

ClinVar aggregate classification (germline): Uncertain significance (1 of 4 stars; one submission).

Conditions:
Multiple congenital anomalies-hypotonia-seizures syndrome 2 (MCAHS2). Also called: GLYCOSYLPHOSPHATIDYLINOSITOL BIOSYNTHESIS DEFECT 4; EPILEPTIC ENCEPHALOPATHY, EARLY INFANTILE, 20. Identifiers: Orphanet 300496, MedGen C3275508, MONDO:0010466, OMIM 300868.

Submission:

Labcorp Genetics (formerly Invitae), Labcorp
Classification: Uncertain significance for Multiple congenital anomalies-hypotonia-seizures syndrome 2. Last evaluated: 2018-12-23. Review status: criteria provided, single submitter. Criteria: Invitae Variant Classification Sherloc (09022015). Collection method: clinical testing. Allele origin: germline.
Comment: Algorithms developed to predict the effect of missense changes on protein structure and function (SIFT, PolyPhen-2, Align-GVGD) all suggest that this variant is likely to be tolerated, but these predictions have not been confirmed by published functional studies and their clinical significance is uncertain. In summary, the available evidence is currently insufficient to determine the role of this variant in disease. Therefore, it has been classified as a Variant of Uncertain Significance. This variant has not been reported in the literature in individuals with PIGA-related conditions. This variant is not present in population databases (ExAC no frequency). This sequence change replaces arginine with glycine at codon 221 of the PIGA protein (p.Arg221Gly). The arginine residue is moderately conserved and there is a moderate physicochemical difference between arginine and glycine.

NM_002641.4(PIGA):c.661A>G (p.Arg221Gly)

Gene: PIGA (phosphatidylinositol glycan anchor biosynthesis class A; minus strand). Cytogenetic location: Xp22.2.
Variant type: single nucleotide variant.
Coding change: c.661A>G on transcript NM_002641.4 (MANE Select); coding-DNA position 661, A replaced by G.
Protein change: p.Arg221Gly; replaces arginine 221 with glycine.
Molecular consequence: missense variant. On other transcripts: intron variant (1).
Genome position (GRCh38, 1-based): chrX:15,331,270, T>C on the plus strand (A>G on the coding strand, the complement: PIGA is on the minus strand). VCF-style: chrX-15331270-T-C. GRCh37 (hg19) VCF-style: chrX-15349392-T-C.
Other names: c.13+4231A>G (NM_020473.3); short protein forms R221G.
Identifiers: ClinVar variation 656423 (VCV000656423.9), dbSNP rs1602211939, ClinGen allele CA412338706.
Genomic context (GRCh38, chrX:15,331,270, plus strand): 5'-CATTACCTTTTCTGTAAACAAGTCTGCTGACAACAACAATAGTTATACTATCATGCCTTC[T>C]AAATGGGTCTGGAGTGAAGTCAGTAGGATCTACAGCATTAGGAATGACGGACACTATTTC-3'
Protein context (NP_002632.1, residues 211-231): DPTDFTPDPF[Arg221Gly]RHDSITIVVV